The following is an entry in ClinVar:

NM_001145358.2(SIN3A):c.95G>A (p.Arg32Gln)

Gene: SIN3A (SIN3 transcription regulator family member A; minus strand). Cytogenetic location: 15q24.2.
Variant type: single nucleotide variant.
Coding change: c.95G>A on transcript NM_001145358.2 (MANE Select); coding-DNA position 95, G replaced by A.
Protein change: p.Arg32Gln; replaces arginine 32 with glutamine.
Molecular consequence: missense variant.
Genome position (GRCh38, 1-based): chr15:75,430,281, C>T on the plus strand (G>A on the coding strand, the complement: SIN3A is on the minus strand). VCF-style: chr15-75430281-C-T. GRCh37 (hg19) VCF-style: chr15-75722622-C-T.
Other names: c.95G>A, p.Arg32Gln (NM_001145357.2, NM_015477.3); short protein forms R32Q.
Identifiers: ClinVar variation 3030882 (VCV003030882.2), dbSNP rs772942517, ClinGen allele CA7667975.

ClinVar aggregate classification (germline): Uncertain significance (0 of 4 stars; one submission).

Conditions:
SIN3A-related disorder. Also called: SIN3A-related condition.

Allele frequency attached by ClinVar (database versions not stated): ExAC 0.00001; gnomAD 0.00001; TOPMed 0.00002.
gnomAD v4.1: 13 of 1,613,992 alleles (0.00081%); highest among the groups gnomAD compares: Non-Finnish European, 0.0011%; no homozygotes.

Submission:

PreventionGenetics, part of Exact Sciences
Classification: Uncertain significance for SIN3A-related condition. Last evaluated: 2023-12-22. Review status: no assertion criteria provided. Collection method: clinical testing. Allele origin: germline.
Comment: The SIN3A c.95G>A variant is predicted to result in the amino acid substitution p.Arg32Gln. This variant was reported as maternally inherited in an individual with autism spectrum disorder (Guo et al. 2018. PubMed ID: 30564305). This variant is reported in 0.00088% of alleles in individuals of European (Non-Finnish) descent in gnomAD. At this time, the clinical significance of this variant is uncertain due to the absence of conclusive functional and genetic evidence.